The following is an entry in ClinVar:

NM_001161748.2(LIM2):c.461-11T>G

Gene: LIM2 (lens intrinsic membrane protein 2; minus strand). Cytogenetic location: 19q13.41.
Variant type: single nucleotide variant.
Coding change: c.461-11T>G on transcript NM_001161748.2 (MANE Select); 11 bases into the intron before coding-DNA position 461, T replaced by G.
Molecular consequence: intron variant.
Genome position (GRCh38, 1-based): chr19:51,380,273, A>C on the plus strand (T>G on the coding strand, the complement: LIM2 is on the minus strand). VCF-style: chr19-51380273-A-C. GRCh37 (hg19) VCF-style: chr19-51883527-A-C.
Other names: c.587-11T>G (NM_030657.4).
Identifiers: ClinVar variation 3615760 (VCV003615760.2).

ClinVar aggregate classification (germline): Uncertain significance (1 of 4 stars; one submission).

Conditions:
Cataract 19 multiple types. Also called: CATARACT 19, CORTICAL PULVERULENT; CATARACT 19, CONGENITAL TOTAL. Identifiers: Orphanet 91492, MedGen C3809004, MONDO:0014111, OMIM 615277.

Submission:

Labcorp Genetics (formerly Invitae), Labcorp
Classification: Uncertain significance for Cataract 19 multiple types. Last evaluated: 2024-05-20. Review status: criteria provided, single submitter. Criteria: Invitae Variant Classification Sherloc (09022015). Collection method: clinical testing. Allele origin: germline.
Comment: This sequence change falls in intron 4 of the LIM2 gene. It does not directly change the encoded amino acid sequence of the LIM2 protein. This variant is present in population databases (rs201548193, gnomAD 0.01%). This variant has not been reported in the literature in individuals affected with LIM2-related conditions. Algorithms developed to predict the effect of sequence changes on RNA splicing suggest that this variant may disrupt the consensus splice site. In summary, the available evidence is currently insufficient to determine the role of this variant in disease. Therefore, it has been classified as a Variant of Uncertain Significance.